The following is an entry in ClinVar:

ClinVar aggregate classification (germline): Likely benign. Review status: criteria provided, multiple submitters, no conflicts (2 of 4 stars). 4 submissions from 4 submitters: Likely benign (3). 1 of the submissions does not count toward it. Last evaluated 2026-01-01.

Conditions:
PDE6C-related disorder. Also called: PDE6C-related condition.

Allele frequency attached by ClinVar (database versions not stated): ExAC 0.00006; gnomAD 0.00009; gnomAD exomes 0.00010 and 0.00014; TOPMed 0.00010.
gnomAD v4.1: 218 of 1,606,942 alleles (0.014%); highest among the groups gnomAD compares: Admixed American, 0.03%; no homozygotes.

Submissions (4):

Labcorp Genetics (formerly Invitae), Labcorp
Classification: Likely benign. Last evaluated: 2026-01-01. Review status: criteria provided, single submitter. Criteria: Invitae Variant Classification Sherloc (09022015). Collection method: clinical testing. Allele origin: germline.

Blueprint Genetics
Classification: Likely benign. Last evaluated: 2023-03-02. Review status: criteria provided, single submitter. Criteria: ACMG Guidelines, 2015. Collection method: clinical testing. Allele origin: germline.

Breakthrough Genomics
Classification: Likely benign. Review status: criteria provided, single submitter. Criteria: ACMG Guidelines, 2015. Collection method: not provided. Allele origin: germline. Inheritance: Autosomal recessive inheritance. Affected: yes.

PreventionGenetics, part of Exact Sciences
Classification: Likely benign for PDE6C-related condition. Last evaluated: 2019-04-09. Review status: no assertion criteria provided. Collection method: clinical testing. Allele origin: germline. Not counted in ClinVar's aggregate classification.
Comment: This variant is classified as likely benign based on ACMG/AMP sequence variant interpretation guidelines (Richards et al. 2015 PMID: 25741868, with internal and published modifications).

NM_006204.4(PDE6C):c.865-4C>T

Gene: PDE6C (phosphodiesterase 6C; plus strand). Cytogenetic location: 10q23.33.
Variant type: single nucleotide variant.
Coding change: c.865-4C>T on transcript NM_006204.4 (MANE Select); 4 bases into the intron before coding-DNA position 865, C replaced by T.
Molecular consequence: intron variant.
Genome position (GRCh38, 1-based): chr10:93,625,571, C>T. VCF-style: chr10-93625571-C-T. GRCh37 (hg19) VCF-style: chr10-95385328-C-T.
Other names: c.865-4C>T (NM_006204.3).
Identifiers: ClinVar variation 1103715 (VCV001103715.13), dbSNP rs772853811, ClinGen allele CA5609972.